The following is an entry in ClinVar:

NM_001352514.2(HLCS):c.1132C>T (p.Gln378Ter)

Gene: HLCS (holocarboxylase synthetase; minus strand). Cytogenetic location: 21q22.13.
Variant type: single nucleotide variant.
Coding change: c.1132C>T on transcript NM_001352514.2 (MANE Select); coding-DNA position 1132, C replaced by T.
Protein change: p.Gln378Ter; replaces glutamine 378 with a stop codon.
Molecular consequence: nonsense. On other transcripts: non-coding transcript variant (2).
Genome position (GRCh38, 1-based): chr21:36,936,754, G>A on the plus strand (C>T on the coding strand, the complement: HLCS is on the minus strand). VCF-style: chr21-36936754-G-A. GRCh37 (hg19) VCF-style: chr21-38309054-G-A.
Other names: c.691C>T, p.Gln231Ter (NM_000411.8, NM_001242784.3, NM_001242785.2 and 4 more transcripts); short protein forms Q231*, Q378*.
Identifiers: ClinVar variation 984056 (VCV000984056.3), dbSNP rs1481968221, ClinGen allele CA409912507.
Genomic context (GRCh38, chr21:36,936,754, plus strand): 5'-TGAAGGATGAAGACAGGCCCAACACCTTCCCTCCCTGAGAAAGATAGGCCATGAACTTCT[G>A]GTACAGGTCTTCGGGAATGGACTCCCTGGTAGCAATGACCAACAGCAGACAGTTGTCCGT-3'

ClinVar aggregate classification (germline): Likely pathogenic (1 of 4 stars; one submission).

Conditions:
Holocarboxylase synthetase deficiency. Also called: MULTIPLE CARBOXYLASE DEFICIENCY, EARLY ONSET. Identifiers: Orphanet 79242, MedGen C0268581, MONDO:0009666, OMIM 253270.

Submission:

Myriad Genetics, Inc.
Classification: Likely pathogenic for Holocarboxylase synthetase deficiency. Last evaluated: 2019-07-28. Review status: criteria provided, single submitter. Criteria: Myriad Women's Health Autosomal Recessive and X-Linked Classification Criteria (2019). Collection method: clinical testing. Allele origin: unknown.
Comment: NM_000411.6(HLCS):c.691C>T(Q231*) is expected to be pathogenic in the context of holocarboxylase synthetase deficiency. This variant is predicted to lead to an abnormal or absent protein product due to the creation of a premature termination codon in HLCS, a gene where loss-of-function variants are known to be pathogenic. Please note: this variant was assessed in the context of healthy population screening.